The following is an entry in ClinVar:

ClinVar aggregate classification (germline): Conflicting classifications of pathogenicity. Review status: criteria provided, conflicting classifications (1 of 4 stars). 10 submissions from 10 submitters: Uncertain significance (8); Likely benign (2). Last evaluated 2026-01-18.

Conditions:
Merosin deficient congenital muscular dystrophy (MDC1A). Also called: Congenital merosin-deficient muscular dystrophy 1A; Congenital Muscular Dystrophy Type 1A (MDC1A). Identifiers: Orphanet 258, MedGen C1263858, MONDO:0011925, OMIM 607855.
Muscular dystrophy, limb-girdle, autosomal recessive 23. Identifiers: Orphanet 565837, MedGen C4748327, MONDO:0029136, OMIM 618138.
LAMA2-related muscular dystrophy (LAMA2-RD). Also called: Laminin alpha 2-related dystrophy. Identifiers: MedGen C5679788, MONDO:0100228.
Congenital muscular dystrophy due to partial LAMA2 deficiency. Identifiers: MedGen C1842898.
Inborn genetic diseases. Identifiers: MedGen C0950123, MeSH D030342.

Allele frequency attached by ClinVar (database versions not stated): ExAC 0.00013; gnomAD exomes 0.00014 and 0.00040; ESP Exome Variant Server 0.00023; gnomAD 0.00025 and 0.00026; TOPMed 0.00026.
gnomAD v4.1: 615 of 1,613,434 alleles (0.038%); highest among the groups gnomAD compares: Non-Finnish European, 0.05%; no homozygotes.

Submissions (10):

Labcorp Genetics (formerly Invitae), Labcorp
Classification: Likely benign for LAMA2-related muscular dystrophy. Last evaluated: 2026-01-18. Review status: criteria provided, single submitter. Criteria: Invitae Variant Classification Sherloc (09022015). Collection method: clinical testing. Allele origin: germline.

GeneDx
Classification: Uncertain significance. Last evaluated: 2025-06-24. Review status: criteria provided, single submitter. Criteria: GeneDx Variant Classification Process June 2021. Collection method: clinical testing. Allele origin: germline. Affected: yes.
Comment: Reported as a single heterozygous variant in a patient with congenital myopathy, prominent finger flexor weakness, and cardiomyopathy with cardiac conduction defects in the published literature who also had a variant in another gene that may have been responsible for the phenotype (PMID: 37315422); In silico analysis suggests that this missense variant does not alter protein structure/function; This variant is associated with the following publications: (PMID: 36413997, 37315422)

Revvity Omics, Revvity
Classification: Uncertain significance. Last evaluated: 2025-04-22. Review status: criteria provided, single submitter. Criteria: ACMG Guidelines, 2015. Collection method: clinical testing. Allele origin: germline.

Ambry Genetics
Classification: Likely benign for Inborn genetic diseases. Last evaluated: 2024-09-26. Review status: criteria provided, single submitter. Criteria: Ambry Variant Classification Scheme 2023. Collection method: clinical testing. Allele origin: germline.

ARUP Laboratories, Molecular Genetics and Genomics, ARUP Laboratories
Classification: Uncertain significance. Last evaluated: 2023-10-20. Review status: criteria provided, single submitter. Criteria: ARUP Molecular Germline Variant Investigation Process 2024. Collection method: clinical testing. Allele origin: germline.

Mayo Clinic Laboratories, Mayo Clinic
Classification: Uncertain significance. Last evaluated: 2022-05-05. Review status: criteria provided, single submitter. Criteria: ACMG Guidelines, 2015. Collection method: clinical testing. Allele origin: germline. Observed: 2 variant alleles.
Comment: BP4, PM2

Fulgent Genetics
Classification: Uncertain significance for Merosin deficient congenital muscular dystrophy; Muscular dystrophy, limb-girdle, autosomal recessive 23. Last evaluated: 2021-08-05. Review status: criteria provided, single submitter. Criteria: ACMG Guidelines, 2015. Collection method: clinical testing. Allele origin: unknown.

CeGaT Center for Human Genetics Tuebingen
Classification: Uncertain significance. Last evaluated: 2020-01-01. Review status: criteria provided, single submitter. Criteria: CeGaT Center For Human Genetics Tuebingen Variant Classification Criteria Version 2. Collection method: clinical testing. Allele origin: germline. Affected: yes. Observed: 1 variant allele.

Illumina Laboratory Services, Illumina
Classification: Uncertain significance for Congenital muscular dystrophy due to partial LAMA2 deficiency. Last evaluated: 2018-01-12. Review status: criteria provided, single submitter. Criteria: ICSL Variant Classification Criteria 13 December 2019. Collection method: clinical testing. Allele origin: germline.

Eurofins Ntd Llc (ga)
Classification: Uncertain significance. Last evaluated: 2016-10-07. Review status: criteria provided, single submitter. Criteria: EGL Classification Definitions 2015. Collection method: clinical testing. Allele origin: germline. Observed: 1 variant allele, 1 heterozygote.

Literature cited by the submitters: PubMed 36413997 (cited by Ambry Genetics).

NM_000426.4(LAMA2):c.6832A>G (p.Met2278Val)

Gene: LAMA2 (laminin subunit alpha 2; plus strand). Cytogenetic location: 6q22.33.
Variant type: single nucleotide variant.
Coding change: c.6832A>G on transcript NM_000426.4 (MANE Select); coding-DNA position 6832, A replaced by G.
Protein change: p.Met2278Val; replaces methionine 2278 with valine.
Molecular consequence: missense variant.
Genome position (GRCh38, 1-based): chr6:129,456,459, A>G. VCF-style: chr6-129456459-A-G. GRCh37 (hg19) VCF-style: chr6-129777604-A-G.
Other names: c.6832A>G, p.Met2278Val (NM_001079823.2); short protein forms M2278V.
Identifiers: ClinVar variation 355293 (VCV000355293.72), dbSNP rs146854942, ClinGen allele CA3994372.